The following is an entry in ClinVar:

ClinVar aggregate classification (germline): Uncertain significance. Review status: criteria provided, multiple submitters, no conflicts (2 of 4 stars). 2 submissions from 2 submitters: Uncertain significance (2). Last evaluated 2022-02-10.

Conditions:
Hypertrophic cardiomyopathy 1 (CMH1). Also called: MYH7-Related Familial Hypertrophic Cardiomyopathy; Familial hypertrophic cardiomyopathy 1. Identifiers: MedGen C3495498, MONDO:0008647, OMIM 192600.

Allele frequency attached by ClinVar (database versions not stated): gnomAD exomes below 0.00001.

Submissions (2):

Mayo Clinic Laboratories, Mayo Clinic
Classification: Uncertain significance. Last evaluated: 2022-02-10. Review status: criteria provided, single submitter. Criteria: ACMG Guidelines, 2015. Collection method: clinical testing. Allele origin: germline. Observed: 1 variant allele.
Comment: BP4, PM2

Labcorp Genetics (formerly Invitae), Labcorp
Classification: Uncertain significance for Hypertrophic cardiomyopathy 1. Last evaluated: 2021-08-04. Review status: criteria provided, single submitter. Criteria: Invitae Variant Classification Sherloc (09022015). Collection method: clinical testing. Allele origin: germline.
Comment: Algorithms developed to predict the effect of missense changes on protein structure and function are either unavailable or do not agree on the potential impact of this missense change (SIFT: "Tolerated"; PolyPhen-2: "Possibly Damaging"; Align-GVGD: "Class C0"). In summary, the available evidence is currently insufficient to determine the role of this variant in disease. Therefore, it has been classified as a Variant of Uncertain Significance. This variant has not been reported in the literature in individuals affected with MYLK2-related conditions. This sequence change replaces leucine with phenylalanine at codon 174 of the MYLK2 protein (p.Leu174Phe). The leucine residue is moderately conserved and there is a small physicochemical difference between leucine and phenylalanine. This variant is not present in population databases (ExAC no frequency).

NM_033118.4(MYLK2):c.520C>T (p.Leu174Phe)

Gene: MYLK2 (myosin light chain kinase 2; plus strand). Cytogenetic location: 20q11.21.
Variant type: single nucleotide variant.
Coding change: c.520C>T on transcript NM_033118.4 (MANE Select); coding-DNA position 520, C replaced by T.
Protein change: p.Leu174Phe; replaces leucine 174 with phenylalanine.
Molecular consequence: missense variant.
Genome position (GRCh38, 1-based): chr20:31,821,485, C>T. VCF-style: chr20-31821485-C-T. GRCh37 (hg19) VCF-style: chr20-30409288-C-T.
Other names: p.Leu174Phe; c.520C>T (NM_033118.3); short protein forms L174F.
Identifiers: ClinVar variation 1438690 (VCV001438690.7), dbSNP rs2123127754, ClinGen allele CA408525785.